The following is an entry in ClinVar:

NM_001013736.3(FAM47C):c.1824G>A (p.Pro608=)

Gene: FAM47C (family with sequence similarity 47 member C; plus strand). Cytogenetic location: Xp21.1.
Variant type: single nucleotide variant.
Coding change: c.1824G>A on transcript NM_001013736.3 (MANE Select); coding-DNA position 1824, G replaced by A.
Protein change: p.Pro608=; no amino-acid change (proline 608 retained).
Molecular consequence: synonymous variant.
Genome position (GRCh38, 1-based): chrX:37,010,234, G>A. VCF-style: chrX-37010234-G-A. GRCh37 (hg19) VCF-style: chrX-37028307-G-A.
Identifiers: ClinVar variation 5040808 (VCV005040808.1).

ClinVar aggregate classification (germline): Likely benign (1 of 4 stars; one submission).

Submission:

CeGaT Center for Human Genetics Tuebingen
Classification: Likely benign. Last evaluated: 2026-09-01. Review status: criteria provided, single submitter. Criteria: CeGaT Center For Human Genetics Tuebingen Variant Classification Criteria Version 2. Collection method: clinical testing. Allele origin: germline. Affected: yes. Observed: 1 variant allele.
Comment: FAM47C: BP4, BP7